The following is an entry in ClinVar:

NM_002872.5(RAC2):c.449-3C>T

Gene: RAC2 (Rac family small GTPase 2; minus strand). Cytogenetic location: 22q13.1.
Variant type: single nucleotide variant.
Coding change: c.449-3C>T on transcript NM_002872.5 (MANE Select); 3 bases into the intron before coding-DNA position 449, C replaced by T.
Molecular consequence: intron variant.
Genome position (GRCh38, 1-based): chr22:37,226,806, G>A on the plus strand (C>T on the coding strand, the complement: RAC2 is on the minus strand). VCF-style: chr22-37226806-G-A. GRCh37 (hg19) VCF-style: chr22-37622846-G-A.
Identifiers: ClinVar variation 649161 (VCV000649161.9), dbSNP rs367947647, ClinGen allele CA10217474.
Genomic context (GRCh38, chr22:37,226,806, plus strand): 5'-AACACGGTTTTCAGGCCTCTCTGGGTGAGAGCTGAGCACTCCAGGTATTTCACCGAGTCT[G>A]GTTGGGGAGATGGACAGGAGAGCCAAGGCCTAAGTGGCGGGGGGGGTTCTGGGCCAACAT-3'

ClinVar aggregate classification (germline): Uncertain significance (1 of 4 stars; one submission).

Conditions:
Neutrophil immunodeficiency syndrome. Also called: Immunodeficiency 73A with defective neutrophil chemotaxis and leukocytosis. Identifiers: Orphanet 183707, MedGen C1842398, MONDO:0011988, OMIM 608203.

Allele frequency attached by ClinVar (database versions not stated): gnomAD 0.00001; gnomAD exomes 0.00001; TOPMed 0.00001; ExAC 0.00002; ESP Exome Variant Server 0.00008.
gnomAD v4.1: 4 of 1,612,274 alleles (0.00025%); highest among the groups gnomAD compares: Admixed American, 0.0033%; no homozygotes.

Submission:

Labcorp Genetics (formerly Invitae), Labcorp
Classification: Uncertain significance for Neutrophil immunodeficiency syndrome. Last evaluated: 2018-11-30. Review status: criteria provided, single submitter. Criteria: Invitae Variant Classification Sherloc (09022015). Collection method: clinical testing. Allele origin: germline.
Comment: In summary, the available evidence is currently insufficient to determine the role of this variant in disease. Therefore, it has been classified as a Variant of Uncertain Significance. Nucleotide substitutions within the consensus splice site are a relatively common cause of aberrant splicing (PMID: 17576681, 9536098). Algorithms developed to predict the effect of sequence changes on RNA splicing suggest that this variant is not likely to affect RNA splicing, but this prediction has not been confirmed by published transcriptional studies. This variant has not been reported in the literature in individuals with RAC2-related conditions. This variant is present in population databases (rs367947647, ExAC 0.02%). This sequence change falls in intron 5 of the RAC2 gene. It does not directly change the encoded amino acid sequence of the RAC2 protein, but it affects a nucleotide within the consensus splice site of the intron.

Literature cited by the submitters: PubMed 17576681; PubMed 9536098.